The following is an entry in ClinVar:

ClinVar aggregate classification (germline): Likely benign (1 of 4 stars; one submission).

Conditions:
POLD1-related polyposis and colorectal cancer syndrome (CRCS10). Also called: Colorectal cancer 10; COLORECTAL CANCER, SUSCEPTIBILITY TO, ON CHROMOSOME 19q; Colorectal cancer, susceptibility to, 10. Identifiers: Orphanet 220460, MedGen C2675481, MONDO:0012953, OMIM 612591.

Submission:

Myriad Genetics, Inc.
Classification: Likely benign for POLD1-related polyposis and colorectal cancer syndrome. Last evaluated: 2025-02-04. Review status: criteria provided, single submitter. Criteria: Myriad Autosomal Dominant, Autosomal Recessive and X-Linked Classification Criteria (2023). Collection method: clinical testing. Allele origin: unknown.
Comment: This variant is considered likely benign. This variant is intronic and is not expected to impact mRNA splicing.

NM_002691.4(POLD1):c.841-6C>T

Gene: POLD1 (DNA polymerase delta 1, catalytic subunit; plus strand). Cytogenetic location: 19q13.33.
Variant type: single nucleotide variant.
Coding change: c.841-6C>T on transcript NM_002691.4 (MANE Select); 6 bases into the intron before coding-DNA position 841, C replaced by T.
Molecular consequence: intron variant.
Genome position (GRCh38, 1-based): chr19:50,402,606, C>T. VCF-style: chr19-50402606-C-T. GRCh37 (hg19) VCF-style: chr19-50905863-C-T.
Other names: c.841-6C>T (NM_001256849.1, NM_001308632.1).
Identifiers: ClinVar variation 3904222 (VCV003904222.1).